The following is an entry in ClinVar:

NM_001164508.2(NEB):c.5335A>T (p.Met1779Leu)

Gene: NEB (nebulin; minus strand). Cytogenetic location: 2q23.3.
Variant type: single nucleotide variant.
Coding change: c.5335A>T on transcript NM_001164508.2 (MANE Select); coding-DNA position 5335, A replaced by T.
Protein change: p.Met1779Leu; replaces methionine 1779 with leucine.
Molecular consequence: missense variant.
Genome position (GRCh38, 1-based): chr2:151,664,767, T>A on the plus strand (A>T on the coding strand, the complement: NEB is on the minus strand). VCF-style: chr2-151664767-T-A. GRCh37 (hg19) VCF-style: chr2-152521281-T-A.
Other names: c.5335A>T, p.Met1779Leu (NM_001164507.2, NM_001271208.2, NM_004543.5); short protein forms M1779L.
Identifiers: ClinVar variation 1443053 (VCV001443053.8), dbSNP rs962698882, ClinGen allele CA348811285.

ClinVar aggregate classification (germline): Uncertain significance (1 of 4 stars; one submission).

Conditions:
Nemaline myopathy 2 (NEM2). Also called: Nemaline myopathy 2, autosomal recessive. Identifiers: MedGen C1850569, MONDO:0009725, OMIM 256030.

Submission:

Labcorp Genetics (formerly Invitae), Labcorp
Classification: Uncertain significance for Nemaline myopathy 2. Last evaluated: 2021-03-07. Review status: criteria provided, single submitter. Criteria: Invitae Variant Classification Sherloc (09022015). Collection method: clinical testing. Allele origin: germline.
Comment: This variant is not present in population databases (ExAC no frequency). This sequence change replaces methionine with leucine at codon 1779 of the NEB protein (p.Met1779Leu). The methionine residue is moderately conserved and there is a small physicochemical difference between methionine and leucine. This variant has not been reported in the literature in individuals with NEB-related conditions. In summary, the available evidence is currently insufficient to determine the role of this variant in disease. Therefore, it has been classified as a Variant of Uncertain Significance. Algorithms developed to predict the effect of missense changes on protein structure and function are either unavailable or do not agree on the potential impact of this missense change (SIFT: "Deleterious"; PolyPhen-2: "Not Available"; Align-GVGD: "Class C0").